The following is an entry in ClinVar:

ClinVar aggregate classification (germline): Uncertain significance. Review status: criteria provided, multiple submitters, no conflicts (2 of 4 stars). 2 submissions from 2 submitters: Uncertain significance (2). Last evaluated 2026-04-26.

Conditions:
Hereditary spastic paraplegia 2 (SPG2). Also called: SPASTIC PARAPLEGIA 2, X-LINKED; Spastic Paraplegia 2 (SPG2). Identifiers: Orphanet 99015, MedGen C0751604, MONDO:0010733, OMIM 312920.
Pelizaeus-Merzbacher disease. Also called: Pelizaeus-Merzbacher spectrum disorder; Pelizaeus-Merzbacher Disease (PMD); Sudanophilic leukodystrophy; Pelizeaus-Merzbacher spectrum disorder; LEUKODYSTROPHY, HYPOMYELINATING, 1. Identifiers: Orphanet 702, MedGen C0205711, MONDO:0010714, OMIM 312080, HP:0003269.

Submissions (2):

GeneDx
Classification: Uncertain significance. Last evaluated: 2026-04-26. Review status: criteria provided, single submitter. Criteria: GeneDx Variant Classification Process June 2021. Collection method: clinical testing. Allele origin: germline.
Comment: Not observed at significant frequency in large population cohorts (gnomAD); Missense variants in this gene are a common cause of disease and they are underrepresented in the general population; In silico analysis supports that this missense variant has a deleterious effect on protein structure/function; Has not been previously published as pathogenic or benign to our knowledge; This variant is associated with the following publications: (PMID: 2480601)

Baylor Genetics
Classification: Uncertain significance for Pelizaeus-Merzbacher disease; Hereditary spastic paraplegia 2. Last evaluated: 2017-09-01. Review status: criteria provided, single submitter. Criteria: ACMG Guidelines, 2015. Collection method: clinical testing. Allele origin: de novo. Inheritance: X-linked inheritance. Affected: yes.
Comment: Another missense variant affecting the same codon has been previously reported in PMD.

Literature cited by the submitters: PubMed 2480601 (cited by Baylor Genetics); PubMed 25326635 (cited by Baylor Genetics).

NM_000533.5(PLP1):c.41C>A (p.Ala14Asp)

Genes: PLP1 (proteolipid protein 1; plus strand), RAB9B (RAB9B, member RAS oncogene family; minus strand). Cytogenetic location: Xq22.2.
Variant type: single nucleotide variant.
Coding change: c.41C>A on transcript NM_000533.5 (MANE Select); coding-DNA position 41, C replaced by A.
Protein change: p.Ala14Asp; replaces alanine 14 with aspartic acid.
Molecular consequence: missense variant. On other transcripts: intron variant (1).
Genome position (GRCh38, 1-based): chrX:103,785,618, C>A. VCF-style: chrX-103785618-C-A. GRCh37 (hg19) VCF-style: chrX-103040547-C-A.
Other names: c.41C>A, p.Ala14Asp (NM_001128834.3, NM_199478.3); c.5-129C>A (NM_001305004.1); c.41C>A (NM_000533.3); short protein forms A14D.
Identifiers: ClinVar variation 561089 (VCV000561089.3), dbSNP rs1569427243, ClinGen allele CA414101853.